The following is an entry in ClinVar:

ClinVar aggregate classification (germline): Uncertain significance. Review status: reviewed by expert panel (3 of 4 stars). 2 submissions from 2 submitters: Uncertain significance (1). 1 of the submissions does not count toward it. Last evaluated 2025-07-01.

Conditions:
Overgrowth syndrome and/or cerebral malformations due to abnormalities in MTOR pathway genes. Identifiers: MedGen CN300503, MONDO:0100283.

Allele frequency attached by ClinVar (database versions not stated): ExAC 0.00001; gnomAD 0.00001; gnomAD exomes 0.00001 and 0.00002; TOPMed 0.00002.
gnomAD v4.1: 33 of 1,614,034 alleles (0.002%); highest among the groups gnomAD compares: Non-Finnish European, 0.0027%; no homozygotes.

Submissions (2):

ClinGen Brain Malformations Variant Curation Expert Panel
Classification: Uncertain significance for Overgrowth syndrome and/or cerebral malformations due to abnormalities in MTOR pathway genes. Last evaluated: 2025-07-01. Review status: reviewed by expert panel. Criteria: ClinGen BrainMalform ACMG Specifications V1.1.0. Collection method: curation. Allele origin: germline. Inheritance: Autosomal dominant inheritance.
Comment: The c.4382T>C (NM_004958.4) variant in MTOR is a missense variant predicted to cause substitution of valine by alanine at residue 1461 (p.Val1461Ala). In gnomAD v4.1.0, this variant has a filtering allele frequency of 0.001962% in the European (non-Finnish) population (PM2_Supporting and BS1 not met). MTOR, in which the variant was identified, is defined by the ClinGen Brain Malformations VCEP as a gene that has a low rate of benign missense variation and where pathogenic missense variants are a common mechanism of disease (PP2). This variant resides within the kinase domain of MTOR that is defined as a critical functional domain by the ClinGen BM VCEP (PMIDs: 23322780, 27482884, 21210909) (PM1_Supporting). In summary, this variant meets the criteria to be classified as uncertain significance for autosomal dominant overgrowth with or without cerebral malformations due to abnormalities in MTOR-pathway genes based on the ACMG/AMP criteria applied, as specified by the ClinGen Brain Malformations Expert Panel: PP2, PM1_Supporting; 2 points (ClinGen Brain Malformations VCEP Specifications Version 1.1).

Labcorp Genetics (formerly Invitae), Labcorp
Classification: Benign. Last evaluated: 2023-11-27. Review status: criteria provided, single submitter. Criteria: Invitae Variant Classification Sherloc (09022015). Collection method: clinical testing. Allele origin: germline. Not counted in ClinVar's aggregate classification.

NM_004958.4(MTOR):c.4382T>C (p.Val1461Ala)

Gene: MTOR (mechanistic target of rapamycin kinase; minus strand). Cytogenetic location: 1p36.22.
Variant type: single nucleotide variant.
Coding change: c.4382T>C on transcript NM_004958.4 (MANE Select); coding-DNA position 4382, T replaced by C.
Protein change: p.Val1461Ala; replaces valine 1461 with alanine.
Molecular consequence: missense variant.
Genome position (GRCh38, 1-based): chr1:11,157,239, A>G on the plus strand (T>C on the coding strand, the complement: MTOR is on the minus strand). VCF-style: chr1-11157239-A-G. GRCh37 (hg19) VCF-style: chr1-11217296-A-G.
Other names: c.4382T>C (LRG_734t1); short protein forms V1461A.
Identifiers: ClinVar variation 659938 (VCV000659938.16), dbSNP rs761536364, ClinGen allele CA589652.